The following is an entry in ClinVar:

ClinVar aggregate classification (germline): Uncertain significance (1 of 4 stars; one submission).

gnomAD v4.1: 14 of 1,614,044 alleles (0.00087%); highest among the groups gnomAD compares: Non-Finnish European, 0.0012%; no homozygotes.

Submission:

Labcorp Genetics (formerly Invitae), Labcorp
Classification: Uncertain significance. Last evaluated: 2022-06-05. Review status: criteria provided, single submitter. Criteria: Invitae Variant Classification Sherloc (09022015). Collection method: clinical testing. Allele origin: germline.
Comment: This sequence change replaces glycine, which is neutral and non-polar, with arginine, which is basic and polar, at codon 4937 of the FAT4 protein (p.Gly4937Arg). This variant is present in population databases (no rsID available, gnomAD 0.003%). This variant has not been reported in the literature in individuals affected with FAT4-related conditions. ClinVar contains an entry for this variant (Variation ID: 1467875). Advanced modeling of protein sequence and biophysical properties (such as structural, functional, and spatial information, amino acid conservation, physicochemical variation, residue mobility, and thermodynamic stability) performed at Invitae indicates that this missense variant is not expected to disrupt FAT4 protein function. In summary, the available evidence is currently insufficient to determine the role of this variant in disease. Therefore, it has been classified as a Variant of Uncertain Significance.

NM_001291303.3(FAT4):c.14815G>C (p.Gly4939Arg)

Gene: FAT4 (FAT atypical cadherin 4; plus strand). Cytogenetic location: 4q28.1.
Variant type: single nucleotide variant.
Coding change: c.14815G>C on transcript NM_001291303.3 (MANE Select); coding-DNA position 14815, G replaced by C.
Protein change: p.Gly4939Arg; replaces glycine 4939 with arginine.
Molecular consequence: missense variant.
Genome position (GRCh38, 1-based): chr4:125,491,631, G>C. VCF-style: chr4-125491631-G-C. GRCh37 (hg19) VCF-style: chr4-126412786-G-C.
Other names: c.14812G>C, p.Gly4938Arg (NM_001291285.3); c.14809G>C, p.Gly4937Arg (NM_024582.6); short protein forms G4938R, G4939R, G4937R.
Identifiers: ClinVar variation 1467875 (VCV001467875.4), dbSNP rs778778303, ClinGen allele CA358143738.